The following is an entry in ClinVar:

NM_004656.4(BAP1):c.1116+1G>A

Gene: BAP1 (BRCA1 associated deubiquitinase 1; minus strand). Cytogenetic location: 3p21.1.
Variant type: single nucleotide variant.
Coding change: c.1116+1G>A on transcript NM_004656.4 (MANE Select); the canonical splice donor site of the intron after coding-DNA position 1116, G replaced by A.
Molecular consequence: splice donor variant.
Genome position (GRCh38, 1-based): chr3:52,405,109, C>T on the plus strand (G>A on the coding strand, the complement: BAP1 is on the minus strand). VCF-style: chr3-52405109-C-T. GRCh37 (hg19) VCF-style: chr3-52439125-C-T.
Other names: c.1062+1G>A (NM_001410772.1).
Identifiers: ClinVar variation 4730498 (VCV004730498.1).

ClinVar aggregate classification (germline): Likely pathogenic (1 of 4 stars; one submission).

Conditions:
BAP1-related tumor predisposition syndrome (TPDS1). Also called: BAP1 tumor predisposition syndrome; COMMON Syndrome; Tumor susceptibility linked to germline BAP1 mutations; TUMOR PREDISPOSITION SYNDROME 1. Identifiers: Orphanet 289539, MedGen C3280492, MONDO:0013692, OMIM 614327.

Submission:

Labcorp Genetics (formerly Invitae), Labcorp
Classification: Likely pathogenic for BAP1-related tumor predisposition syndrome. Last evaluated: 2026-01-26. Review status: criteria provided, single submitter. Criteria: Invitae Variant Classification Sherloc (09022015). Collection method: clinical testing. Allele origin: germline.
Comment: This sequence change affects a donor splice site in intron 11 of the BAP1 gene. RNA analysis indicates that disruption of this splice site induces altered splicing and may result in an absent or altered protein product. This variant is not present in population databases (gnomAD no frequency). This variant has not been reported in the literature in individuals affected with BAP1-related conditions. Studies have shown that disruption of this splice site results in skipping of exon 11, and produces a non-functional protein and/or introduces a premature termination codon (internal data). In summary, the currently available evidence indicates that the variant is pathogenic, but additional data are needed to prove that conclusively. Therefore, this variant has been classified as Likely Pathogenic.